The following is an entry in ClinVar:

NM_003072.5(SMARCA4):c.845A>C (p.Lys282Thr)

Gene: SMARCA4 (SWI/SNF related BAF chromatin remodeling complex subunit ATPase 4; plus strand). Cytogenetic location: 19p13.2.
Variant type: single nucleotide variant.
Coding change: c.845A>C on transcript NM_003072.5 (MANE Select); coding-DNA position 845, A replaced by C.
Protein change: p.Lys282Thr; replaces lysine 282 with threonine.
Molecular consequence: missense variant. On other transcripts: non-coding transcript variant (1).
Genome position (GRCh38, 1-based): chr19:10,986,989, A>C. VCF-style: chr19-10986989-A-C. GRCh37 (hg19) VCF-style: chr19-11097665-A-C.
Other names: c.845A>C, p.Lys282Thr (NM_001128844.3, NM_001128845.2, NM_001128846.2 and 5 more transcripts); short protein forms K282T.
Identifiers: ClinVar variation 1692599 (VCV001692599.1), dbSNP rs1568425091, ClinGen allele CA404058137.

ClinVar aggregate classification (germline): Uncertain significance (1 of 4 stars; one submission).

Conditions:
Hereditary cancer-predisposing syndrome. Also called: Hereditary Cancer Syndrome; Hereditary neoplastic syndrome; Neoplastic Syndromes, Hereditary; Tumor predisposition. Identifiers: Orphanet 140162, MedGen C0027672, MeSH D009386, MONDO:0015356.

Submission:

Sema4
Classification: Uncertain significance for Hereditary cancer-predisposing syndrome. Last evaluated: 2021-11-29. Review status: criteria provided, single submitter. Criteria: Sema4 Curation Guidelines. Collection method: curation. Allele origin: germline.
Comment: The SMARCA4 c.845A>C (p.K282T) variant has not been reported in the literature to our knowledge. It was not observed in the large and broad cohorts of the Genome Aggregation Database (PMID: 32461654). This variant has not been reported in ClinVar. In silico tools suggest the impact of the variant on protein function is inconclusive, though these predictions have not been confirmed by functional studies. The evidence is insufficient to meet ACMG/AMP criteria for classifying the variant as benign or pathogenic. Thus, the clinical significance of this variant is currently uncertain.